The following is an entry in ClinVar:

NM_002691.4(POLD1):c.2182A>T (p.Ile728Phe)

Gene: POLD1 (DNA polymerase delta 1, catalytic subunit; plus strand). Cytogenetic location: 19q13.33.
Variant type: single nucleotide variant.
Coding change: c.2182A>T on transcript NM_002691.4 (MANE Select); coding-DNA position 2182, A replaced by T.
Protein change: p.Ile728Phe; replaces isoleucine 728 with phenylalanine.
Molecular consequence: missense variant. On other transcripts: non-coding transcript variant (1).
Genome position (GRCh38, 1-based): chr19:50,413,453, A>T. VCF-style: chr19-50413453-A-T. GRCh37 (hg19) VCF-style: chr19-50916710-A-T.
Other names: c.2182A>T (NM_002691.2); c.2182A>T, p.Ile728Phe (NM_001256849.1); c.2260A>T, p.Ile754Phe (NM_001308632.1); short protein forms I754F, I728F.
Identifiers: ClinVar variation 2085425 (VCV002085425.5), dbSNP rs2039158030, ClinGen allele CA406983547.
Genomic context (GRCh38, chr19:50,413,453, plus strand): 5'-GGGCTTCACTCCGCATGATTCTCTCCCCGACAGAGCGTCACGGGGTTCGGACGTCAGATG[A>T]TCGAGAAAACCAAGCAGCTGGTGGAGTCTAAGTACACAGTGGAGAATGGCTACAGCACCA-3'
Protein context (NP_002682.2, residues 718-738): QSVTGFGRQM[Ile728Phe]EKTKQLVESK

ClinVar aggregate classification (germline): Uncertain significance. Review status: criteria provided, multiple submitters, no conflicts (2 of 4 stars). 2 submissions from 2 submitters: Uncertain significance (2). Last evaluated 2024-11-08.

Conditions:
POLD1-related polyposis and colorectal cancer syndrome (CRCS10). Also called: Colorectal cancer 10; COLORECTAL CANCER, SUSCEPTIBILITY TO, ON CHROMOSOME 19q; Colorectal cancer, susceptibility to, 10. Identifiers: Orphanet 220460, MedGen C2675481, MONDO:0012953, OMIM 612591.
Hereditary cancer-predisposing syndrome. Also called: Tumor predisposition; Neoplastic Syndromes, Hereditary; Hereditary Cancer Syndrome; Hereditary neoplastic syndrome. Identifiers: Orphanet 140162, MedGen C0027672, MeSH D009386, MONDO:0015356.

Allele frequency attached by ClinVar (database versions not stated): gnomAD exomes below 0.00001.
gnomAD v4.1: 1 of 1,613,388 alleles (0.000062%); highest among the groups gnomAD compares: Non-Finnish European, 0.000085%; no homozygotes.

Submissions (2):

Ambry Genetics
Classification: Uncertain significance for Hereditary cancer-predisposing syndrome. Last evaluated: 2024-11-08. Review status: criteria provided, single submitter. Criteria: Ambry Variant Classification Scheme 2023. Collection method: clinical testing. Allele origin: germline.
Comment: The p.I728F variant (also known as c.2182A>T), located in coding exon 17 of the POLD1 gene, results from an A to T substitution at nucleotide position 2182. The isoleucine at codon 728 is replaced by phenylalanine, an amino acid with highly similar properties. This amino acid position is highly conserved in available vertebrate species. In addition, this alteration is predicted to be deleterious by in silico analysis. Based on the available evidence, the clinical significance of this variant remains unclear.

Labcorp Genetics (formerly Invitae), Labcorp
Classification: Uncertain significance for POLD1-related polyposis and colorectal cancer syndrome. Last evaluated: 2022-07-23. Review status: criteria provided, single submitter. Criteria: Invitae Variant Classification Sherloc (09022015). Collection method: clinical testing. Allele origin: germline.
Comment: In summary, the available evidence is currently insufficient to determine the role of this variant in disease. Therefore, it has been classified as a Variant of Uncertain Significance. Algorithms developed to predict the effect of missense changes on protein structure and function are either unavailable or do not agree on the potential impact of this missense change (SIFT: "Deleterious"; PolyPhen-2: "Probably Damaging"; Align-GVGD: "Class C0"). This variant has not been reported in the literature in individuals affected with POLD1-related conditions. This variant is not present in population databases (gnomAD no frequency). This sequence change replaces isoleucine, which is neutral and non-polar, with phenylalanine, which is neutral and non-polar, at codon 728 of the POLD1 protein (p.Ile728Phe).